The following is an entry in ClinVar:

NM_000548.5(TSC2):c.4G>C (p.Ala2Pro)

Gene: TSC2 (TSC complex subunit 2; plus strand). Cytogenetic location: 16p13.3.
Variant type: single nucleotide variant.
Coding change: c.4G>C on transcript NM_000548.5 (MANE Select); coding-DNA position 4, G replaced by C.
Protein change: p.Ala2Pro; replaces alanine 2 with proline.
Molecular consequence: missense variant. On other transcripts: 5 prime UTR variant (1), intron variant (1).
Genome position (GRCh38, 1-based): chr16:2,048,619, G>C. VCF-style: chr16-2048619-G-C. GRCh37 (hg19) VCF-style: chr16-2098620-G-C.
Other names: c.4G>C, p.Ala2Pro (NM_001077183.3, NM_001114382.3, NM_001318827.2 and 13 more transcripts); c.-223G>C (NM_001318831.2, NM_001406682.1, NM_001406684.1 and 2 more transcripts); c.37G>C, p.Ala13Pro (NM_001318832.2); c.-813G>C (NM_001406680.1, NM_001406683.1, NM_001406687.1); c.-442G>C (NM_001406681.1); c.-1428G>C (NM_001406689.1, NM_001406690.1, NM_001406691.1 and 2 more transcripts); c.-1734G>C (NM_001406693.1); c.-1309G>C (NM_001406694.1, NM_001406695.1); and 3 more; short protein forms A13P, A2P.
Identifiers: ClinVar variation 1744709 (VCV001744709.4), dbSNP rs769400464, ClinGen allele CA394300434.

ClinVar aggregate classification (germline): Uncertain significance. Review status: criteria provided, multiple submitters, no conflicts (2 of 4 stars). 2 submissions from 2 submitters: Uncertain significance (2). Last evaluated 2025-11-10.

Conditions:
Tuberous sclerosis 2 (TSC2). Identifiers: Orphanet 805, MedGen C1860707, MONDO:0013199, OMIM 613254.
Hereditary cancer-predisposing syndrome. Also called: Neoplastic Syndromes, Hereditary; Tumor predisposition; Hereditary Cancer Syndrome; Hereditary neoplastic syndrome. Identifiers: Orphanet 140162, MedGen C0027672, MeSH D009386, MONDO:0015356.

Submissions (2):

Labcorp Genetics (formerly Invitae), Labcorp
Classification: Uncertain significance for Tuberous sclerosis 2. Last evaluated: 2025-11-10. Review status: criteria provided, single submitter. Criteria: Invitae Variant Classification Sherloc (09022015). Collection method: clinical testing. Allele origin: germline.
Comment: This sequence change replaces alanine, which is neutral and non-polar, with proline, which is neutral and non-polar, at codon 2 of the TSC2 protein (p.Ala2Pro). This variant is not present in population databases (gnomAD no frequency). This variant has not been reported in the literature in individuals affected with TSC2-related conditions. ClinVar contains an entry for this variant (Variation ID: 1744709). Invitae Evidence Modeling of protein sequence and biophysical properties (such as structural, functional, and spatial information, amino acid conservation, physicochemical variation, residue mobility, and thermodynamic stability) indicates that this missense variant is not expected to disrupt TSC2 protein function with a negative predictive value of 95%. In summary, the available evidence is currently insufficient to determine the role of this variant in disease. Therefore, it has been classified as a Variant of Uncertain Significance.

Ambry Genetics
Classification: Uncertain significance for Hereditary cancer-predisposing syndrome. Last evaluated: 2025-04-28. Review status: criteria provided, single submitter. Criteria: Ambry Variant Classification Scheme 2023. Collection method: clinical testing. Allele origin: germline.
Comment: The p.A2P variant (also known as c.4G>C), located in coding exon 1 of the TSC2 gene, results from a G to C substitution at nucleotide position 4. The alanine at codon 2 is replaced by proline, an amino acid with highly similar properties. This amino acid position is well conserved in available vertebrate species. In addition, the in silico prediction for this alteration is inconclusive. Since supporting evidence is limited at this time, the clinical significance of this alteration remains unclear.